The following is an entry in ClinVar:

ClinVar aggregate classification (germline): Benign. Review status: criteria provided, multiple submitters, no conflicts (2 of 4 stars). 3 submissions from 3 submitters: Benign (2). 1 of the submissions does not count toward it. Last evaluated 2018-07-31.

Allele frequency attached by ClinVar (database versions not stated): 1000 Genomes Project 0.14696; TOPMed 0.11313; 1000 Genomes Project 30x 0.14366; ESP Exome Variant Server 0.09580.
gnomAD v4.1: 126,145 of 1,438,086 alleles (8.8%); highest among the groups gnomAD compares: East Asian, 29%; 7,138 homozygotes.

Submissions (3):

GeneDx
Classification: Benign. Last evaluated: 2018-07-31. Review status: criteria provided, single submitter. Criteria: GeneDx Variant Classification Process June 2021. Collection method: clinical testing. Allele origin: germline. Affected: yes.

Breakthrough Genomics
Classification: Benign. Review status: criteria provided, single submitter. Criteria: ACMG Guidelines, 2015. Collection method: not provided. Allele origin: germline. Inheritance: Autosomal recessive inheritance. Affected: yes.

Genetic Services Laboratory, University of Chicago
Classification: Likely benign. Review status: no assertion criteria provided. Collection method: clinical testing. Allele origin: germline. Inheritance: Autosomal recessive inheritance. Not counted in ClinVar's aggregate classification.
Comment: Likely benign based on allele frequency in 1000 Genomes Project or ESP global frequency and its presence in a patient with a rare or unrelated disease phenotype. NOT Sanger confirmed

NM_018249.6(CDK5RAP2):c.879+26G>T

Gene: CDK5RAP2 (CDK5 regulatory subunit associated protein 2; minus strand). Cytogenetic location: 9q33.2.
Variant type: single nucleotide variant.
Coding change: c.879+26G>T on transcript NM_018249.6 (MANE Select); 26 bases into the intron after coding-DNA position 879, G replaced by T.
Molecular consequence: intron variant.
Genome position (GRCh38, 1-based): chr9:120,528,718, C>A on the plus strand (G>T on the coding strand, the complement: CDK5RAP2 is on the minus strand). VCF-style: chr9-120528718-C-A. GRCh37 (hg19) VCF-style: chr9-123290996-C-A.
Other names: c.879+26G>T (NM_001272039.2, NM_001011649.3).
Identifiers: ClinVar variation 158171 (VCV000158171.9), dbSNP rs41305509, ClinGen allele CA171600.